The following is an entry in ClinVar:

NM_001377540.1(SLMAP):c.151C>G (p.Leu51Val)

Gene: SLMAP (sarcolemma associated protein; plus strand). Cytogenetic location: 3p14.3.
Variant type: single nucleotide variant.
Coding change: c.151C>G on transcript NM_001377540.1 (MANE Select); coding-DNA position 151, C replaced by G.
Protein change: p.Leu51Val; replaces leucine 51 with valine.
Molecular consequence: missense variant. On other transcripts: non-coding transcript variant (1).
Genome position (GRCh38, 1-based): chr3:57,757,802, C>G. VCF-style: chr3-57757802-C-G. GRCh37 (hg19) VCF-style: chr3-57743529-C-G.
Other names: c.151C>G, p.Leu51Val (NM_001304420.3, NM_001304421.2, NM_001377538.1 and 17 more transcripts); short protein forms L51V.
Identifiers: ClinVar variation 1774389 (VCV001774389.2), dbSNP rs746438603, ClinGen allele CA353403443.
Genomic context (GRCh38, chr3:57,757,802, plus strand): 5'-GGCCGCTCAGTGGCCCGCTGTCGACCAGCGCAGAATAATGCCACTTTTGATTGCAAAGTG[C>G]TATCAAGGAACCACGCTCTCGTCTGGTTTGATCACAAGACGGGCAAGGTAATGTCACCAC-3'
Protein context (NP_001364469.1, residues 41-61): QNNATFDCKV[Leu51Val]SRNHALVWFD

ClinVar aggregate classification (germline): Uncertain significance (1 of 4 stars; one submission).

gnomAD v4.1: 1 of 1,614,178 alleles (0.000062%); highest among the groups gnomAD compares: Non-Finnish European, 0.000085%; no homozygotes.

Submission:

Ambry Genetics
Classification: Uncertain significance. Last evaluated: 2021-06-23. Review status: criteria provided, single submitter. Criteria: Ambry Variant Classification Scheme 2023. Collection method: clinical testing. Allele origin: germline.
Comment: The p.L51V variant (also known as c.151C>G), located in coding exon 1 of the SLMAP gene, results from a C to G substitution at nucleotide position 151. The leucine at codon 51 is replaced by valine, an amino acid with highly similar properties. This amino acid position is conserved. In addition, the in silico prediction for this alteration is inconclusive. Since supporting evidence is limited at this time, the clinical significance of this alteration remains unclear.